The following is an entry in ClinVar:

ClinVar aggregate classification (germline): Benign. Review status: criteria provided, multiple submitters, no conflicts (2 of 4 stars). 2 submissions from 2 submitters: Benign (2). Last evaluated 2018-06-20.

Allele frequency attached by ClinVar (database versions not stated): gnomAD 0.67737; TOPMed 0.70321; 1000 Genomes Project 0.72764; 1000 Genomes Project 30x 0.73267.
gnomAD v4.1: 871,732 of 1,416,376 alleles (62%); highest among the groups gnomAD compares: African/African-American, 85%; 272,248 homozygotes.

Submissions (2):

GeneDx
Classification: Benign. Last evaluated: 2018-06-20. Review status: criteria provided, single submitter. Criteria: GeneDx Variant Classification (06012015). Collection method: clinical testing. Allele origin: germline. Affected: yes.
Comment: This variant is considered likely benign or benign based on one or more of the following criteria: it is a conservative change, it occurs at a poorly conserved position in the protein, it is predicted to be benign by multiple in silico algorithms, and/or has population frequency not consistent with disease.

Breakthrough Genomics
Classification: Benign. Review status: criteria provided, single submitter. Criteria: ACMG Guidelines, 2015. Collection method: not provided. Allele origin: germline. Inheritance: Autosomal recessive inheritance. Affected: yes.

NM_006231.4(POLE):c.5679-82A>G

Gene: POLE (DNA polymerase epsilon, catalytic subunit; minus strand). Cytogenetic location: 12q24.33.
Variant type: single nucleotide variant.
Coding change: c.5679-82A>G on transcript NM_006231.4 (MANE Select); 82 bases into the intron before coding-DNA position 5679, A replaced by G.
Molecular consequence: intron variant.
Genome position (GRCh38, 1-based): chr12:132,636,106, T>C on the plus strand (A>G on the coding strand, the complement: POLE is on the minus strand). VCF-style: chr12-132636106-T-C. GRCh37 (hg19) VCF-style: chr12-133212692-T-C.
Identifiers: ClinVar variation 676504 (VCV000676504.2), dbSNP rs4883625, ClinGen allele CA13640026.